The following is an entry in ClinVar:

ClinVar aggregate classification (germline): Pathogenic (1 of 4 stars; one submission).

Conditions:
Congenital disorder of deglycosylation (CDDG). Identifiers: MedGen C3808991, MONDO:0031376.

Submission:

Labcorp Genetics (formerly Invitae), Labcorp
Classification: Pathogenic for Congenital disorder of deglycosylation. Last evaluated: 2023-02-16. Review status: criteria provided, single submitter. Criteria: Invitae Variant Classification Sherloc (09022015). Collection method: clinical testing. Allele origin: germline.
Comment: For these reasons, this variant has been classified as Pathogenic. This variant has not been reported in the literature in individuals affected with NGLY1-related conditions. This variant is not present in population databases (gnomAD no frequency). This sequence change creates a premature translational stop signal (p.Leu6Profs*35) in the NGLY1 gene. It is expected to result in an absent or disrupted protein product. Loss-of-function variants in NGLY1 are known to be pathogenic (PMID: 24651605).

Literature cited by the submitters: PubMed 24651605.

NM_018297.4(NGLY1):c.-18GCCCGCTGGCGCTCAAGCATGGCGGCGGCGGC[3] (p.Leu6fs)

Gene: NGLY1 (N-glycanase 1; minus strand). Cytogenetic location: 3p24.2.
Variant type: Microsatellite.
Coding change: c.-18GCCCGCTGGCGCTCAAGCATGGCGGCGGCGGC[3] on transcript NM_018297.4 (MANE Select); three copies in a row of the 32-base unit GCCCGCTGGCGCTCAAGCATGGCGGCGGCGGC starting at c.-18.
Protein change: p.Leu6fs; shifts the reading frame from leucine 6.
Molecular consequence: frameshift variant, initiator codon variant. On other transcripts: intron variant (1).
Genome position: GRCh38, VCF-style position (the base before the change): chr3:25,783,376. GRCh37 (hg19), VCF-style position (the base before the change): chr3:25,824,867.
Other names: c.-18GCCCGCTGGCGCTCAAGCATGGCGGCGGCGGC[3], p.Leu6fs (NM_001145293.2, NM_001145295.2); c.6-4689_6-4688insGGCGGCGGCGGCGCCCGCTGGCGCTCAAGCATGGCGGCGGCGGCGCCCGCTGGCGCTCAAGCAT (NM_001145294.2); short protein forms L6fs.
Identifiers: ClinVar variation 1396095 (VCV001396095.7), dbSNP rs762131179, ClinGen allele CA1046105594.